The following is an entry in ClinVar:

NM_024652.6(LRRK1):c.1805C>T (p.Thr602Ile)

Gene: LRRK1 (leucine rich repeat kinase 1; plus strand). Cytogenetic location: 15q26.3.
Variant type: single nucleotide variant.
Coding change: c.1805C>T on transcript NM_024652.6 (MANE Select); coding-DNA position 1805, C replaced by T.
Protein change: p.Thr602Ile; replaces threonine 602 with isoleucine.
Molecular consequence: missense variant.
Genome position (GRCh38, 1-based): chr15:101,021,910, C>T. VCF-style: chr15-101021910-C-T. GRCh37 (hg19) VCF-style: chr15-101562115-C-T.
Other names: short protein forms T602I.
Identifiers: ClinVar variation 1391172 (VCV001391172.3), dbSNP rs763061068, ClinGen allele CA7761033.

ClinVar aggregate classification (germline): Uncertain significance (1 of 4 stars; one submission).

Allele frequency attached by ClinVar (database versions not stated): gnomAD 0.00001 and 0.00003; TOPMed 0.00004; gnomAD exomes 0.00007 and 0.00011; ExAC 0.00009.
gnomAD v4.1: 100 of 1,613,980 alleles (0.0062%); highest among the groups gnomAD compares: South Asian, 0.089%; 1 homozygote.

Submission:

Labcorp Genetics (formerly Invitae), Labcorp
Classification: Uncertain significance. Last evaluated: 2022-08-23. Review status: criteria provided, single submitter. Criteria: Invitae Variant Classification Sherloc (09022015). Collection method: clinical testing. Allele origin: germline.
Comment: This sequence change replaces threonine, which is neutral and polar, with isoleucine, which is neutral and non-polar, at codon 602 of the LRRK1 protein (p.Thr602Ile). This variant is present in population databases (rs763061068, gnomAD 0.07%). This variant has not been reported in the literature in individuals affected with LRRK1-related conditions. ClinVar contains an entry for this variant (Variation ID: 1391172). Algorithms developed to predict the effect of missense changes on protein structure and function output the following: SIFT: "Tolerated"; PolyPhen-2: "Benign"; Align-GVGD: "Class C0". The isoleucine amino acid residue is found in multiple mammalian species, which suggests that this missense change does not adversely affect protein function. In summary, the available evidence is currently insufficient to determine the role of this variant in disease. Therefore, it has been classified as a Variant of Uncertain Significance.